The following is an entry in ClinVar:

ClinVar aggregate classification (germline): Conflicting classifications of pathogenicity. Review status: criteria provided, conflicting classifications (1 of 4 stars). 3 submissions from 3 submitters: Pathogenic (1); Uncertain significance (2). Last evaluated 2026-01-24.

Submissions (3):

Labcorp Genetics (formerly Invitae), Labcorp
Classification: Pathogenic. Last evaluated: 2026-01-24. Review status: criteria provided, single submitter. Criteria: Invitae Variant Classification Sherloc (09022015). Collection method: clinical testing. Allele origin: germline.
Comment: This sequence change creates a premature translational stop signal (p.Gln700Argfs*35) in the HK1 gene. It is expected to result in an absent or disrupted protein product. Loss-of-function variants in HK1 are known to be pathogenic (PMID: 11783948, 12211198, 31119733). This variant is not present in population databases (gnomAD no frequency). This variant has not been reported in the literature in individuals affected with HK1-related conditions. ClinVar contains an entry for this variant (Variation ID: 4078936). For these reasons, this variant has been classified as Pathogenic.

Revvity Omics, Revvity
Classification: Uncertain significance. Last evaluated: 2024-08-23. Review status: criteria provided, single submitter. Criteria: ACMG Guidelines, 2015. Collection method: clinical testing. Allele origin: germline.

Blueprint Genetics
Classification: Uncertain significance. Last evaluated: 2019-05-23. Review status: criteria provided, single submitter. Criteria: ACMG Guidelines, 2015. Collection method: clinical testing. Allele origin: germline.

Literature cited by the submitters: PubMed 11783948 (cited by Labcorp Genetics (formerly Invitae), Labcorp); PubMed 12211198 (cited by Labcorp Genetics (formerly Invitae), Labcorp); PubMed 31119733 (cited by Labcorp Genetics (formerly Invitae), Labcorp).

NM_000188.3(HK1):c.2099del (p.Gln700fs)

Gene: HK1 (hexokinase 1; plus strand). Cytogenetic location: 10q22.1.
Variant type: Deletion.
Coding change: c.2099del on transcript NM_000188.3 (MANE Select); coding-DNA position 2099, one base deleted (A; older notation c.2099delA).
Protein change: p.Gln700fs; shifts the reading frame from glutamine 700.
Molecular consequence: frameshift variant. On other transcripts: non-coding transcript variant (1).
Genome position (GRCh38, 1-based): chr10:69,392,188, A deleted. VCF-style (leftmost placement, unchanged base first): chr10-69392187-CA-C. GRCh37 (hg19) VCF-style: chr10-71151943-CA-C.
Other names: c.2111del, p.Gln704fs (NM_001322364.2, NM_001358263.1, NM_033497.3 and 1 more transcripts); c.2204del, p.Gln735fs (NM_001322365.2); c.2015del, p.Gln672fs (NM_001322366.1, NM_001441143.1); c.2003del, p.Gln668fs (NM_001322367.1); c.2096del, p.Gln699fs (NM_001441139.1, NM_033496.3); c.2090del, p.Gln697fs (NM_001441140.1); c.2099del, p.Gln700fs (NM_001441141.1, NM_001441146.1, NM_001441148.1); c.2057del, p.Gln686fs (NM_001441142.1); and 8 more; short protein forms Q364fs, Q462fs, Q487fs, Q570fs, Q578fs, Q626fs, Q660fs, Q668fs.
Identifiers: ClinVar variation 4078936 (VCV004078936.3).